The following is an entry in ClinVar:

NM_015335.5(MED13L):c.4060C>T (p.Gln1354Ter)

Gene: MED13L (mediator complex subunit 13L; minus strand). Cytogenetic location: 12q24.21.
Variant type: single nucleotide variant.
Coding change: c.4060C>T on transcript NM_015335.5 (MANE Select); coding-DNA position 4060, C replaced by T.
Protein change: p.Gln1354Ter; replaces glutamine 1354 with a stop codon.
Molecular consequence: nonsense.
Genome position (GRCh38, 1-based): chr12:115,987,163, G>A on the plus strand (C>T on the coding strand, the complement: MED13L is on the minus strand). VCF-style: chr12-115987163-G-A. GRCh37 (hg19) VCF-style: chr12-116424968-G-A.
Other names: short protein forms Q1354*.
Identifiers: ClinVar variation 620328 (VCV000620328.2), dbSNP rs1565995054, ClinGen allele CA386885265.

ClinVar aggregate classification (germline): Pathogenic (1 of 4 stars; one submission).

Submission:

GeneDx
Classification: Pathogenic. Last evaluated: 2023-01-06. Review status: criteria provided, single submitter. Criteria: GeneDx Variant Classification Process June 2021. Collection method: clinical testing. Allele origin: germline. Affected: yes.
Comment: Nonsense variant predicted to result in protein truncation or nonsense mediated decay in a gene for which loss of function is a known mechanism of disease; Not observed at significant frequency in large population cohorts (gnomAD); Has not been previously published as pathogenic or benign to our knowledge